The following is an entry in ClinVar:

ClinVar aggregate classification (germline): Uncertain significance. Review status: criteria provided, multiple submitters, no conflicts (2 of 4 stars). 2 submissions from 2 submitters: Uncertain significance (2). Last evaluated 2025-02-21.

Conditions:
Inborn genetic diseases. Identifiers: MedGen C0950123, MeSH D030342.

Allele frequency attached by ClinVar (database versions not stated): gnomAD exomes below 0.00001 and 0.00005; TOPMed below 0.00001; ExAC 0.00001.
gnomAD v4.1: 74 of 1,613,862 alleles (0.0046%); highest among the groups gnomAD compares: Non-Finnish European, 0.0063%; no homozygotes.

Submissions (2):

Ambry Genetics
Classification: Uncertain significance for Inborn genetic diseases. Last evaluated: 2025-02-21. Review status: criteria provided, single submitter. Criteria: Ambry Variant Classification Scheme 2023. Collection method: clinical testing. Allele origin: germline.

GeneDx
Classification: Uncertain significance. Last evaluated: 2021-04-15. Review status: criteria provided, single submitter. Criteria: GeneDx Variant Classification Process June 2021. Collection method: clinical testing. Allele origin: germline. Affected: yes.
Comment: In silico analysis supports that this missense variant does not alter protein structure/function; Has not been previously published as pathogenic or benign to our knowledge

NM_000037.4(ANK1):c.4447C>A (p.Leu1483Met)

Genes: ANK1 (ankyrin 1; minus strand), LOC126860368 (BRD4-independent group 4 enhancer GRCh37_chr8:41541049-41542248; plus strand). Cytogenetic location: 8p11.21.
Variant type: single nucleotide variant.
Coding change: c.4447C>A on transcript NM_000037.4 (MANE Select); coding-DNA position 4447, C replaced by A.
Protein change: p.Leu1483Met; replaces leucine 1483 with methionine.
Molecular consequence: missense variant.
Genome position (GRCh38, 1-based): chr8:41,684,634, G>T on the plus strand (C>A on the coding strand, the complement: ANK1 is on the minus strand). VCF-style: chr8-41684634-G-T. GRCh37 (hg19) VCF-style: chr8-41542152-G-T.
Other names: c.4570C>A, p.Leu1524Met (NM_001142446.2); c.4447C>A, p.Leu1483Met (NM_020475.3, NM_020476.3, NM_020477.3); short protein forms L1483M, L1524M.
Identifiers: ClinVar variation 1314609 (VCV001314609.3), dbSNP rs753599962, ClinGen allele CA4727550.
Genomic context (GRCh38, chr8:41,684,634, plus strand): 5'-CGCGGTCGGTGTGCCGCCTGTCTGGCTTCAAGTTGCGGCTCTGTCGGCCGGAACCCTCCA[G>T]CATGTTCACGATCTCGCCACGGTCAATGCTCTGCAGGGCTGTGTACAGATTCTCCACTGT-3'
Protein context (NP_000028.3, residues 1473-1493): SIDRGEIVNM[Leu1483Met]EGSGRQSRNL